The following is an entry in ClinVar:

ClinVar aggregate classification (germline): Conflicting classifications of pathogenicity. Review status: criteria provided, conflicting classifications (1 of 4 stars). 20 submissions from 20 submitters: Uncertain significance (1); Benign (12); Likely benign (1). 6 of the submissions do not count toward it. Last evaluated 2026-06-01.

Conditions:
Cardiovascular phenotype. Identifiers: MedGen CN230736.
Dilated cardiomyopathy 1CC (CMD1CC). Identifiers: Orphanet 154, MedGen C2751084, MONDO:0013147, OMIM 613122.
Hypertrophic cardiomyopathy 20. Identifiers: MedGen C3151267, MONDO:0013477, OMIM 613876.
Cardiomyopathy (CMYO). Also called: Cardiomyopathies. Identifiers: Orphanet 167848, MedGen C0878544, MONDO:0004994, HP:0001638. Inheritance: Various modes of inheritance.
Premature ventricular contraction. Also called: Ventricular extrasystoles. Identifiers: MedGen C0151636, HP:0006682.
Hypertrophic cardiomyopathy. Also called: HYPERTROPHIC MYOCARDIOPATHY. Identifiers: Orphanet 217569, MedGen C0007194, MeSH D002312, MONDO:0005045, HP:0001639.

Allele frequency attached by ClinVar (database versions not stated): ESP Exome Variant Server 0.00202; TOPMed 0.00212; gnomAD 0.00262 and 0.00291; 1000 Genomes Project 30x 0.00297; 1000 Genomes Project 0.00319; ExAC 0.00400; gnomAD exomes 0.00427.
gnomAD v4.1: 5,404 of 1,613,478 alleles (0.33%); highest among the groups gnomAD compares: South Asian, 1.3%; 30 homozygotes.

Submissions (20):

CeGaT Center for Human Genetics Tuebingen
Classification: Benign. Last evaluated: 2026-06-01. Review status: criteria provided, single submitter. Criteria: CeGaT Center For Human Genetics Tuebingen Variant Classification Criteria Version 2. Collection method: clinical testing. Allele origin: germline. Affected: yes. Observed: 2 variant alleles.
Comment: NEXN: BP4, BS1, BS2

Labcorp Genetics (formerly Invitae), Labcorp
Classification: Benign for Dilated cardiomyopathy 1CC; Hypertrophic cardiomyopathy 20. Last evaluated: 2026-01-31. Review status: criteria provided, single submitter. Criteria: Invitae Variant Classification Sherloc (09022015). Collection method: clinical testing. Allele origin: germline.

ARUP Laboratories, Molecular Genetics and Genomics, ARUP Laboratories
Classification: Benign. Last evaluated: 2025-07-22. Review status: criteria provided, single submitter. Criteria: ARUP Molecular Germline Variant Investigation Process 2024. Collection method: clinical testing. Allele origin: germline.

Molecular Diagnostic Laboratory for Inherited Cardiovascular Disease, Montreal Heart Institute
Classification: Likely benign. Last evaluated: 2025-04-09. Review status: criteria provided, single submitter. Criteria: ACMG Guidelines, 2015. Collection method: clinical testing. Allele origin: germline. Affected: no.

Mayo Clinic Laboratories, Mayo Clinic
Classification: Benign. Last evaluated: 2024-07-29. Review status: criteria provided, single submitter. Criteria: ACMG Guidelines, 2015. Collection method: clinical testing. Allele origin: germline. Observed: 15 variant alleles.
Comment: BS1, BS2, BP4_strong

Fulgent Genetics
Classification: Benign for Dilated cardiomyopathy 1CC; Hypertrophic cardiomyopathy 20. Last evaluated: 2021-07-27. Review status: criteria provided, single submitter. Criteria: ACMG Guidelines, 2015. Collection method: clinical testing. Allele origin: unknown.

CHEO Genetics Diagnostic Laboratory, Children's Hospital of Eastern Ontario
Classification: Benign for Cardiomyopathy. Last evaluated: 2019-05-22. Review status: criteria provided, single submitter. Criteria: ACMG Guidelines, 2015. Collection method: clinical testing. Allele origin: germline. Study: Canadian Open Genetics Repository.

Center for Advanced Laboratory Medicine, UC San Diego Health, University of California San Diego
Classification: Benign for Premature ventricular contraction. Last evaluated: 2019-03-25. Review status: criteria provided, single submitter. Criteria: ACMG Guidelines, 2015. Collection method: clinical testing. Allele origin: germline. Affected: yes. Observed: 1 variant allele.

GeneDx
Classification: Benign. Last evaluated: 2016-11-14. Review status: criteria provided, single submitter. Criteria: GeneDx Variant Classification (06012015). Collection method: clinical testing. Allele origin: germline. Affected: yes.
Comment: This variant is considered likely benign or benign based on one or more of the following criteria: it is a conservative change, it occurs at a poorly conserved position in the protein, it is predicted to be benign by multiple in silico algorithms, and/or has population frequency not consistent with disease.

Ambry Genetics
Classification: Benign for Cardiovascular phenotype. Last evaluated: 2016-06-15. Review status: criteria provided, single submitter. Criteria: Ambry Variant Classification Scheme 2023. Collection method: clinical testing. Allele origin: germline.

Eurofins Ntd Llc (ga)
Classification: Benign. Last evaluated: 2016-02-11. Review status: criteria provided, single submitter. Criteria: EGL Classification Definitions 2015. Collection method: clinical testing. Allele origin: germline. Observed: 1 variant allele, 1 heterozygote.

Laboratory for Molecular Medicine, Mass General Brigham Personalized Medicine
Classification: Benign. Last evaluated: 2015-04-08. Review status: criteria provided, single submitter. Criteria: LMM Criteria. Collection method: clinical testing. Allele origin: germline. Observed: 21 variant alleles.
Comment: p.Glu332Ala in exon 9 of NEXN: This variant is not expected to have clinical sig nificance because it has been identified in 1.3% (207/16506) of South Asian chro mosomes, including 4 homozygotes, by the Exome Aggregation Consortium (ExAC; dbSNP rs201763096).

Stanford Center for Inherited Cardiovascular Disease, Stanford University
Classification: Uncertain significance. Last evaluated: 2013-08-01. Review status: criteria provided, single submitter. Criteria: ACMG Guidelines, 2015. Collection method: provider interpretation. Allele origin: germline.

Breakthrough Genomics
Classification: Benign. Review status: criteria provided, single submitter. Criteria: ACMG Guidelines, 2015. Collection method: not provided. Allele origin: germline. Inheritance: Autosomal dominant inheritance. Affected: yes.

Clinical Genetics DNA and cytogenetics Diagnostics Lab, Erasmus MC, Erasmus Medical Center
Classification: Likely benign. Review status: no assertion criteria provided. Collection method: clinical testing. Allele origin: germline. Affected: yes. Study: VKGL Data-share Consensus. Not counted in ClinVar's aggregate classification.

Clinical Genetics, Academic Medical Center
Classification: Benign. Review status: no assertion criteria provided. Collection method: clinical testing. Allele origin: germline. Affected: yes. Study: VKGL Data-share Consensus. Not counted in ClinVar's aggregate classification.

Diagnostic Laboratory, Department of Genetics, University Medical Center Groningen
Classification: Likely benign. Review status: no assertion criteria provided. Collection method: clinical testing. Allele origin: germline. Affected: yes. Study: VKGL Data-share Consensus. Not counted in ClinVar's aggregate classification.

Genome Diagnostics Laboratory, University Medical Center Utrecht
Classification: Benign. Review status: no assertion criteria provided. Collection method: clinical testing. Allele origin: germline. Affected: yes. Study: VKGL Data-share Consensus. Not counted in ClinVar's aggregate classification.

Joint Genome Diagnostic Labs from Nijmegen and Maastricht, Radboudumc and MUMC+
Classification: Benign. Review status: no assertion criteria provided. Collection method: clinical testing. Allele origin: germline. Affected: yes. Study: VKGL Data-share Consensus. Not counted in ClinVar's aggregate classification.

Zaffran Lab, Genetics of Cardiac Diseases Laboratory, Marseille Medical Genetics
Classification: Benign for hypertrophic cardiomyopathy. Review status: no assertion criteria provided. Collection method: research. Allele origin: unknown. Affected: yes. Not counted in ClinVar's aggregate classification.

Literature cited by the submitters: PubMed 19881492 (cited by Ambry Genetics); PubMed 24503780 (cited by Ambry Genetics); PubMed 25979592 (cited by Ambry Genetics).

NM_144573.4(NEXN):c.995A>C (p.Glu332Ala)

Gene: NEXN (nexilin F-actin binding protein; plus strand). Cytogenetic location: 1p31.1.
Variant type: single nucleotide variant.
Coding change: c.995A>C on transcript NM_144573.4 (MANE Select); coding-DNA position 995, A replaced by C.
Protein change: p.Glu332Ala; replaces glutamic acid 332 with alanine.
Molecular consequence: missense variant.
Genome position (GRCh38, 1-based): chr1:77,929,446, A>C. VCF-style: chr1-77929446-A-C. GRCh37 (hg19) VCF-style: chr1-78395131-A-C.
Other names: p.E332A:GAA>GCA; c.803A>C, p.Glu268Ala (NM_001172309.2); short protein forms E332A, E268A.
Identifiers: ClinVar variation 47915 (VCV000047915.74), dbSNP rs201763096, ClinGen allele CA142178.
Genomic context (GRCh38, chr1:77,929,446, plus strand): 5'-TCAGTTTTGAAGAAATGGAAAGGCAAAGAAGAGAAGATGAAAAAAGGAAAGCAGAAGAAG[A>C]AGCCAGAAGGAGAATAGAGGAAGAAAAGAAGGCGTTTGCTGAAGCAAGGAGAAATATGGT-3'
Protein context (NP_653174.3, residues 322-342): REDEKRKAEE[Glu332Ala]ARRRIEEEKK